The following is an entry in ClinVar:

ClinVar aggregate classification (germline): Uncertain significance (1 of 4 stars; one submission).

Conditions:
Alpha thalassemia-X-linked intellectual disability syndrome (ATRX). Also called: ALPHA-THALASSEMIA/MENTAL RETARDATION SYNDROME, X-LINKED; ATR, NONDELETION TYPE; ATR-X syndrome; Alpha thalassemia mental retardation syndrome, nondeletion type, X-linked; XLMR hypotonic face syndrome; X-linked alpha-thalassemia-mental retardation syndrome. Identifiers: Orphanet 847, MedGen C1845055, MONDO:0010519, OMIM 301040.

Submission:

Labcorp Genetics (formerly Invitae), Labcorp
Classification: Uncertain significance for Alpha thalassemia-X-linked intellectual disability syndrome. Last evaluated: 2023-12-28. Review status: criteria provided, single submitter. Criteria: Invitae Variant Classification Sherloc (09022015). Collection method: clinical testing. Allele origin: germline.
Comment: This variant, c.6674_6676del, results in the deletion of 1 amino acid(s) of the ATRX protein (p.Lys2225del), but otherwise preserves the integrity of the reading frame. This variant is not present in population databases (gnomAD no frequency). This variant has not been reported in the literature in individuals affected with ATRX-related conditions. Experimental studies and prediction algorithms are not available or were not evaluated, and the functional significance of this variant is currently unknown. In summary, the available evidence is currently insufficient to determine the role of this variant in disease. Therefore, it has been classified as a Variant of Uncertain Significance.

NM_000489.6(ATRX):c.6665AGA[3] (p.Lys2225del)

Gene: ATRX (ATRX chromatin remodeler; minus strand). Cytogenetic location: Xq21.1.
Variant type: Microsatellite.
Coding change: c.6665AGA[3] on transcript NM_000489.6 (MANE Select); three copies in a row of the 3-base unit AGA starting at c.6665; the reference has four copies in a row; one copy, 3 bases deleted.
Protein change: p.Lys2225del; deletes lysine 2225.
Molecular consequence: inframe deletion.
Genome position (GRCh38, 1-based): chrX:77,557,474-77,557,476, TCT deleted on the plus strand (AGA on the coding strand, the reverse complement: ATRX is on the minus strand); deleting any 3 consecutive bases within chrX:77,557,474-77,557,486 gives the same sequence; the position shown is the placement nearest the transcript's 3' end. VCF-style (leftmost placement, unchanged base first): chrX-77557473-CTCT-C. GRCh37 (hg19) VCF-style: chrX-76812944-CTCT-C.
Other names: c.6551AGA[3], p.Lys2187del (NM_138270.5); short protein forms K2187del, K2225del.
Identifiers: ClinVar variation 2911596 (VCV002911596.3), dbSNP rs1557059596, ClinGen allele CA913184356.
Genomic context (GRCh38, chrX:77,557,473, plus strand): 5'-ACGTTGGTTTGTTAAGCCAATAATCTAAATATGTTTACCTTTGGCAGCATGGGAGTATCC[CTCT>C]TCTTCTTCTTTTCTGAATTAGGGTCATCTAATAAGTCTGGCTCAAAAGTATAAAGTTCAG-3'